The following is an entry in ClinVar:

ClinVar aggregate classification (germline): Pathogenic. Review status: criteria provided, multiple submitters, no conflicts (2 of 4 stars). 3 submissions from 3 submitters: Pathogenic (2). 1 of the submissions does not count toward it. Last evaluated 2023-12-13.

Conditions:
Hereditary spastic paraplegia 6 (SPG6). Also called: SPASTIC PARAPLEGIA 6, AUTOSOMAL DOMINANT. Identifiers: Orphanet 100988, MedGen C1838192, MONDO:0010878, OMIM 600363.

Submissions (3):

Labcorp Genetics (formerly Invitae), Labcorp
Classification: Pathogenic for Hereditary spastic paraplegia 6. Last evaluated: 2023-12-13. Review status: criteria provided, single submitter. Criteria: Invitae Variant Classification Sherloc (09022015). Collection method: clinical testing. Allele origin: germline.
Comment: This sequence change replaces threonine, which is neutral and polar, with arginine, which is basic and polar, at codon 45 of the NIPA1 protein (p.Thr45Arg). This variant is not present in population databases (gnomAD no frequency). This missense change has been observed in individual(s) with clinical features of hereditary spastic paraplegia (PMID: 14508710). It has also been observed to segregate with disease in related individuals. ClinVar contains an entry for this variant (Variation ID: 2520). An algorithm developed to predict the effect of missense changes on protein structure and function (PolyPhen-2) suggests that this variant is likely to be disruptive. Experimental studies have shown that this missense change affects NIPA1 function (PMID: 17166836, 19091982, 20816793). For these reasons, this variant has been classified as Pathogenic.

GeneDx
Classification: Pathogenic. Last evaluated: 2023-10-13. Review status: criteria provided, single submitter. Criteria: GeneDx Variant Classification Process June 2021. Collection method: clinical testing. Allele origin: germline. Affected: yes.
Comment: Published functional studies demonstrate a damaging effect and show that this variant affects normal protein function and has profound effects on cellular distributions (Goytain et al., 2007; Botzolakis et al., 2011); Not observed at significant frequency in large population cohorts (gnomAD); In silico analysis supports that this missense variant has a deleterious effect on protein structure/function; This variant is associated with the following publications: (PMID: 18191948, 19091982, 35181192, 35464835, 19620182, 22302102, 32384786, 22552817, 20816793, 17166836, 14508710)

OMIM
Classification: Pathogenic for SPASTIC PARAPLEGIA 6, AUTOSOMAL DOMINANT. Last evaluated: 2003-10-01. Review status: no assertion criteria provided. Collection method: literature only. Allele origin: germline. Not counted in ClinVar's aggregate classification.

Literature cited by the submitters: PubMed 14508710 (cited by Labcorp Genetics (formerly Invitae), Labcorp and OMIM); PubMed 17166836 (cited by Labcorp Genetics (formerly Invitae), Labcorp); PubMed 19091982 (cited by Labcorp Genetics (formerly Invitae), Labcorp); PubMed 20816793 (cited by Labcorp Genetics (formerly Invitae), Labcorp); PubMed 7825577 (cited by OMIM).

NM_144599.5(NIPA1):c.134C>G (p.Thr45Arg)

Genes: NIPA1 (NIPA magnesium transporter 1; plus strand), LOC130056709 (ATAC-STARR-seq lymphoblastoid silent region 6259; plus strand). Cytogenetic location: 15q11.2.
Variant type: single nucleotide variant.
Coding change: c.134C>G on transcript NM_144599.5 (MANE Select); coding-DNA position 134, C replaced by G.
Protein change: p.Thr45Arg; replaces threonine 45 with arginine.
Molecular consequence: missense variant. On other transcripts: intron variant (1).
Genome position (GRCh38, 1-based): chr15:22,786,790, C>G. VCF-style: chr15-22786790-C-G. GRCh37 (hg19) VCF-style: chr15-23086278-G-C.
Other names: c.-48+542C>G (NM_001142275.1); short protein forms T45R.
Identifiers: ClinVar variation 2520 (VCV000002520.12), dbSNP rs104894496, ClinGen allele CA115591.
Genomic context (GRCh38, chr15:22,786,790, plus strand): 5'-CCGCCGCCGTGTCGCTCGGCCTGGGCGTGGCCGTCGTGTCGAGCCTGGTGAACGGGTCCA[C>G]GTTCGTGCTACAGAAGAAGGGCATCGTGCGTGCCAAGCGGCGAGGTAGGGCGGGCGGCAG-3'
Protein context (NP_653200.2, residues 35-55): AVVSSLVNGS[Thr45Arg]FVLQKKGIVR